The following is an entry in ClinVar:

NM_000264.5(PTCH1):c.930C>T (p.Asn310=)

Gene: PTCH1 (patched 1; minus strand). Cytogenetic location: 9q22.32.
Variant type: single nucleotide variant.
Coding change: c.930C>T on transcript NM_000264.5 (MANE Select); coding-DNA position 930, C replaced by T.
Protein change: p.Asn310=; no amino-acid change (asparagine 310 retained).
Molecular consequence: synonymous variant. On other transcripts: non-coding transcript variant (1).
Genome position (GRCh38, 1-based): chr9:95,480,405, G>A on the plus strand (C>T on the coding strand, the complement: PTCH1 is on the minus strand). VCF-style: chr9-95480405-G-A. GRCh37 (hg19) VCF-style: chr9-98242687-G-A.
Other names: c.732C>T, p.Asn244= (NM_001083602.3); c.927C>T, p.Asn309= (NM_001083603.3); c.477C>T, p.Asn159= (NM_001083604.3, NM_001083605.3, NM_001083606.3 and 1 more transcripts); c.930C>T, p.Asn310= (NM_001354918.2).
Identifiers: ClinVar variation 524623 (VCV000524623.16), dbSNP rs768166430, ClinGen allele CA5138814.
Genomic context (GRCh38, chr9:95,480,405, plus strand): 5'-GTTTTGCTCTCCACCCTTCTGAGAGCGCTCACTGCTGGTACTCACTTTGGTTGAATTTTT[G>A]TTGGGGGCTGTGGCGGGGCAGTCTGGATCGGCCGGATTGAGGCAGGGGCGGTCCATGTAA-3'
Protein context (NP_000255.2, residues 300-320): ADPDCPATAP[Asn310=]KNSTKPLDMA

ClinVar aggregate classification (germline): Likely benign. Review status: criteria provided, multiple submitters, no conflicts (2 of 4 stars). 3 submissions from 3 submitters: Likely benign (3). Last evaluated 2026-01-07.

Conditions:
Gorlin syndrome. Also called: Nevoid Basal Cell Carcinoma Syndrome; Basal cell nevus syndrome. Identifiers: Orphanet 377, MedGen C0004779, MONDO:0007187.
Hereditary cancer-predisposing syndrome. Also called: Hereditary neoplastic syndrome; Hereditary Cancer Syndrome; Neoplastic Syndromes, Hereditary; Tumor predisposition. Identifiers: Orphanet 140162, MedGen C0027672, MeSH D009386, MONDO:0015356.
PTCH1-related disorder. Also called: PTCH1-related disorders; PTCH1-related condition.

Allele frequency attached by ClinVar (database versions not stated): ExAC 0.00002; gnomAD exomes 0.00002 and 0.00012; TOPMed 0.00002; gnomAD 0.00003.
gnomAD v4.1: 168 of 1,610,866 alleles (0.01%); highest among the groups gnomAD compares: Non-Finnish European, 0.014%; no homozygotes.

Submissions (3):

Labcorp Genetics (formerly Invitae), Labcorp
Classification: Likely benign for Gorlin syndrome. Last evaluated: 2026-01-07. Review status: criteria provided, single submitter. Criteria: Invitae Variant Classification Sherloc (09022015). Collection method: clinical testing. Allele origin: germline.

PreventionGenetics, part of Exact Sciences
Classification: Likely benign for PTCH1-related condition. Last evaluated: 2025-02-13. Review status: criteria provided, single submitter. Criteria: ACMG Guidelines, 2015. Collection method: clinical testing. Allele origin: germline.
Comment: This variant is classified as likely benign based on ACMG/AMP sequence variant interpretation guidelines (Richards et al. 2015 PMID: 25741868, with internal and published modifications).

Ambry Genetics
Classification: Likely benign for Hereditary cancer-predisposing syndrome. Last evaluated: 2018-01-03. Review status: criteria provided, single submitter. Criteria: Ambry Variant Classification Scheme 2023. Collection method: clinical testing. Allele origin: germline.